The following is an entry in ClinVar:

ClinVar aggregate classification (germline): Likely pathogenic (1 of 4 stars; one submission).

Conditions:
Early-infantile DEE. Also called: Early infantile epileptic encephalopathy; Early infantile epileptic encephalopathy with suppression bursts; Ohtahara syndrome. Identifiers: Orphanet 1934, MedGen C0393706, MONDO:0800491.

Submission:

Labcorp Genetics (formerly Invitae), Labcorp
Classification: Likely pathogenic for Early-infantile DEE. Last evaluated: 2023-06-23. Review status: criteria provided, single submitter. Criteria: Invitae Variant Classification Sherloc (09022015). Collection method: clinical testing. Allele origin: germline.
Comment: This variant, c.1390_1398dup, results in the insertion of 3 amino acid(s) of the SPTAN1 protein (p.Glu464_Cys466dup), but otherwise preserves the integrity of the reading frame. This variant is not present in population databases (gnomAD no frequency). This variant has been observed in individual(s) with clinical features of distal hereditary motor neuropathy (Invitae). In at least one individual the variant was observed to be de novo. In summary, the currently available evidence indicates that the variant is pathogenic, but additional data are needed to prove that conclusively. Therefore, this variant has been classified as Likely Pathogenic.

NM_001130438.3(SPTAN1):c.1390_1398dup (p.Cys466_Met467insGluGlnCys)

Gene: SPTAN1 (spectrin alpha, non-erythrocytic 1; plus strand). Cytogenetic location: 9q34.11.
Variant type: Duplication.
Coding change: c.1390_1398dup on transcript NM_001130438.3 (MANE Select); coding-DNA positions 1390 to 1398, 9 bases duplicated (GAGCAGTGC; older notation c.1390_1398dupGAGCAGTGC).
Protein change: p.Cys466_Met467insGluGlnCys.
Molecular consequence: inframe insertion.
Genome position (GRCh38, 1-based): chr9:128,580,988-128,580,996, GAGCAGTGC duplicated; duplicating any 9 consecutive bases within chr9:128,580,987-128,580,996 gives the same sequence; the c. name uses the placement nearest the transcript's 3' end. VCF-style (leftmost placement, unchanged base first): chr9-128580986-A-ACGAGCAGTG. GRCh37 (hg19) VCF-style: chr9-131343265-A-ACGAGCAGTG.
Other names: c.1390_1398dup, p.Cys466_Met467insGluGlnCys (NM_001195532.2, NM_001363759.2, NM_001363765.2 and 5 more transcripts); c.1426_1434dup, p.Cys478_Met479insGluGlnCys (NM_001375312.2, NM_001375318.1).
Identifiers: ClinVar variation 2721409 (VCV002721409.3), dbSNP rs2541118749, ClinGen allele CA2697558082.